The following is an entry in ClinVar:

ClinVar aggregate classification (germline): other (0 of 4 stars; one submission).

Conditions:
Familial colorectal cancer. Identifiers: MedGen CN280943, MONDO:0023113. Disease mechanism: loss of function.

Submission:

Systems Biology Platform Zhejiang California International NanoSystems Institute
Classification: other for Familial colorectal cancer. Review status: no assertion criteria provided. Collection method: not provided. Allele origin: unknown.
ClinVar note: Converted during submission from cancer to other.

NC_000005.10:g.112848559A>C

Variant type: single nucleotide variant.
Genome position: GRCh38 VCF-style: chr5-112848559-A-C. GRCh37 (hg19) VCF-style: chr5-112184256-A-C.
Identifiers: ClinVar variation 83280 (VCV000083280.3), dbSNP rs77718736, ClinGen allele CA250972.